The following is an entry in ClinVar:

NM_006509.4(RELB):c.475G>C (p.Glu159Gln)

Gene: RELB (RELB proto-oncogene, NF-kB subunit; plus strand). Cytogenetic location: 19q13.32.
Variant type: single nucleotide variant.
Coding change: c.475G>C on transcript NM_006509.4 (MANE Select); coding-DNA position 475, G replaced by C.
Protein change: p.Glu159Gln; replaces glutamic acid 159 with glutamine.
Molecular consequence: missense variant.
Genome position (GRCh38, 1-based): chr19:45,012,247, G>C. VCF-style: chr19-45012247-G-C. GRCh37 (hg19) VCF-style: chr19-45515505-G-C.
Other names: c.466G>C, p.Glu156Gln (NM_001411087.1); short protein forms E156Q, E159Q.
Identifiers: ClinVar variation 4730491 (VCV004730491.1).

ClinVar aggregate classification (germline): Uncertain significance (1 of 4 stars; one submission).

Submission:

Labcorp Genetics (formerly Invitae), Labcorp
Classification: Uncertain significance. Last evaluated: 2026-01-14. Review status: criteria provided, single submitter. Criteria: Invitae Variant Classification Sherloc (09022015). Collection method: clinical testing. Allele origin: germline.
Comment: This sequence change replaces glutamic acid, which is acidic and polar, with glutamine, which is neutral and polar, at codon 159 of the RELB protein (p.Glu159Gln). This variant is not present in population databases (gnomAD no frequency). This variant has not been reported in the literature in individuals affected with RELB-related conditions. An algorithm developed to predict the effect of missense changes on protein structure and function (PolyPhen-2) suggests that this variant is likely to be tolerated. In summary, the available evidence is currently insufficient to determine the role of this variant in disease. Therefore, it has been classified as a Variant of Uncertain Significance.